The following is an entry in ClinVar:

ClinVar aggregate classification (germline): Uncertain significance (1 of 4 stars; one submission).

Allele frequency attached by ClinVar (database versions not stated): gnomAD 0.00003 and 0.00004; gnomAD exomes 0.00003 and 0.00008; TOPMed 0.00003; ExAC 0.00004; ESP Exome Variant Server 0.00016.
gnomAD v4.1: 127 of 1,613,924 alleles (0.0079%); highest among the groups gnomAD compares: Non-Finnish European, 0.01%; no homozygotes.

Submission:

Labcorp Genetics (formerly Invitae), Labcorp
Classification: Uncertain significance. Last evaluated: 2022-02-10. Review status: criteria provided, single submitter. Criteria: Invitae Variant Classification Sherloc (09022015). Collection method: clinical testing. Allele origin: germline.
Comment: In summary, the available evidence is currently insufficient to determine the role of this variant in disease. Therefore, it has been classified as a Variant of Uncertain Significance. Experimental studies and prediction algorithms are not available or were not evaluated, and the functional significance of this variant is currently unknown. This variant has not been reported in the literature in individuals affected with HTT-related conditions. This variant is present in population databases (rs200639978, gnomAD 0.007%). This sequence change replaces histidine, which is basic and polar, with tyrosine, which is neutral and polar, at codon 728 of the HTT protein (p.His728Tyr).

NM_001388492.1(HTT):c.2176C>T (p.His726Tyr)

Gene: HTT (huntingtin; plus strand). Cytogenetic location: 4p16.3.
Variant type: single nucleotide variant.
Coding change: c.2176C>T on transcript NM_001388492.1 (MANE Select); coding-DNA position 2176, C replaced by T.
Protein change: p.His726Tyr; replaces histidine 726 with tyrosine.
Molecular consequence: missense variant.
Genome position (GRCh38, 1-based): chr4:3,131,715, C>T. VCF-style: chr4-3131715-C-T. GRCh37 (hg19) VCF-style: chr4-3133442-C-T.
Other names: c.2182C>T, p.His728Tyr (NM_002111.8); short protein forms H726Y, H728Y.
Identifiers: ClinVar variation 1368155 (VCV001368155.6), dbSNP rs200639978, ClinGen allele CA2823765.